The following is an entry in ClinVar:

ClinVar aggregate classification (germline): Conflicting classifications of pathogenicity. Review status: criteria provided, conflicting classifications (1 of 4 stars). 5 submissions from 5 submitters: Uncertain significance (1); Likely benign (4). Last evaluated 2025-11-21.

Conditions:
Cardiovascular phenotype. Identifiers: MedGen CN230736.
Autosomal recessive limb-girdle muscular dystrophy type 2J (LGMDR10). Also called: MUSCULAR DYSTROPHY, LIMB-GIRDLE, AUTOSOMAL RECESSIVE 10; Limb-girdle muscular dystrophy, type 2J. Identifiers: Orphanet 140922, MedGen C1837342, MONDO:0012127, OMIM 608807.
Dilated cardiomyopathy 1G (CMD1G). Identifiers: Orphanet 154, MedGen C1858763, MONDO:0011400, OMIM 604145.
Hypertrophic cardiomyopathy 9. Also called: Familial hypertrophic cardiomyopathy 9. Identifiers: MedGen C1861065, MONDO:0013412, OMIM 613765.
Tibial muscular dystrophy (TMD). Also called: Udd Distal Myopathy – Tibial Muscular Dystrophy; Tibial muscular dystrophy, tardive; UDD MYOPATHY. Identifiers: Orphanet 609, MedGen C1838244, MONDO:0010870, OMIM 600334.
Early-onset myopathy with fatal cardiomyopathy (CMYO5). Also called: Salih Myopathy; CONGENITAL MYOPATHY 5 WITH CARDIOMYOPATHY. Identifiers: Orphanet 289377, MedGen C2673677, MONDO:0012714, OMIM 611705. Disease mechanism: loss of function.
Myopathy, myofibrillar, 9, with early respiratory failure (MFM9). Also called: MYOPATHY, PROXIMAL, WITH EARLY RESPIRATORY MUSCLE INVOLVEMENT; Myopathy, distal, with early respiratory failure, autosomal dominant; Hereditary myopathy with early respiratory failure; EDSTROM MYOPATHY. Identifiers: Orphanet 178464, Orphanet 34521, MedGen C1863599, MONDO:0011362, OMIM 603689.

Allele frequency attached by ClinVar (database versions not stated): TOPMed 0.00003; gnomAD 0.00004 and 0.00003; gnomAD exomes below 0.00001; ExAC 0.00001.
gnomAD v4.1: 7 of 1,612,676 alleles (0.00043%); highest among the groups gnomAD compares: African/African-American, 0.008%; no homozygotes.

Submissions (5):

Labcorp Genetics (formerly Invitae), Labcorp
Classification: Likely benign for Dilated cardiomyopathy 1G; Autosomal recessive limb-girdle muscular dystrophy type 2J. Last evaluated: 2025-11-21. Review status: criteria provided, single submitter. Criteria: Invitae Variant Classification Sherloc (09022015). Collection method: clinical testing. Allele origin: germline.

Ambry Genetics
Classification: Likely benign for Cardiovascular phenotype. Last evaluated: 2023-01-25. Review status: criteria provided, single submitter. Criteria: Ambry Variant Classification Scheme 2023. Collection method: clinical testing. Allele origin: germline.

Fulgent Genetics
Classification: Likely benign for Tibial muscular dystrophy; Myopathy, myofibrillar, 9, with early respiratory failure; Dilated cardiomyopathy 1G; Autosomal recessive limb-girdle muscular dystrophy type 2J; Early-onset myopathy with fatal cardiomyopathy; Hypertrophic cardiomyopathy 9. Last evaluated: 2021-11-22. Review status: criteria provided, single submitter. Criteria: ACMG Guidelines, 2015. Collection method: clinical testing. Allele origin: unknown.

Revvity Omics, Revvity
Classification: Uncertain significance. Last evaluated: 2019-05-13. Review status: criteria provided, single submitter. Criteria: ACMG Guidelines, 2015. Collection method: clinical testing. Allele origin: germline.

GeneDx
Classification: Likely benign. Last evaluated: 2017-02-14. Review status: criteria provided, single submitter. Criteria: GeneDx Variant Classification (06012015). Collection method: clinical testing. Allele origin: germline. Affected: yes.
Comment: This variant is considered likely benign or benign based on one or more of the following criteria: it is a conservative change, it occurs at a poorly conserved position in the protein, it is predicted to be benign by multiple in silico algorithms, and/or has population frequency not consistent with disease.

NM_001267550.2(TTN):c.57501T>C (p.Asn19167=)

Genes: TTN (titin; minus strand), TTN-AS1 (TTN antisense RNA 1; plus strand). Cytogenetic location: 2q31.2.
Variant type: single nucleotide variant.
Coding change: c.57501T>C on transcript NM_001267550.2 (MANE Select); coding-DNA position 57501, T replaced by C.
Protein change: p.Asn19167=; no amino-acid change (asparagine 19167 retained).
Molecular consequence: synonymous variant.
Genome position (GRCh38, 1-based): chr2:178,597,581, A>G on the plus strand (T>C on the coding strand, the complement: TTN is on the minus strand). VCF-style: chr2-178597581-A-G. GRCh37 (hg19) VCF-style: chr2-179462308-A-G.
Other names: c.52578T>C, p.Asn17526= (NM_001256850.1); c.30306T>C, p.Asn10102= (NM_003319.4); c.49797T>C, p.Asn16599= (NM_133378.4); c.30681T>C, p.Asn10227= (NM_133432.3); c.30882T>C, p.Asn10294= (NM_133437.4).
Identifiers: ClinVar variation 507403 (VCV000507403.14), dbSNP rs780536141, ClinGen allele CA1993043.